The following is an entry in ClinVar:

ClinVar aggregate classification (germline): Likely pathogenic (1 of 4 stars; one submission).

Submission:

Centre of Medical Genetics, University Hospital Muenster
Classification: Likely pathogenic. Last evaluated: 2024-06-07. Review status: criteria provided, single submitter. Criteria: ACMG Guidelines, 2015. Collection method: clinical testing. Allele origin: unknown. Affected: yes. Observed: 1 variant allele, 1 heterozygote.
Comment: ACMG categories: PVS1,PM2

NM_001128.6(AP1G1):c.919-1G>T

Gene: AP1G1 (adaptor related protein complex 1 subunit gamma 1; minus strand). Cytogenetic location: 16q22.2.
Variant type: single nucleotide variant.
Coding change: c.919-1G>T on transcript NM_001128.6 (MANE Select); the canonical splice acceptor site of the intron before coding-DNA position 919, G replaced by T.
Molecular consequence: splice acceptor variant.
Genome position (GRCh38, 1-based): chr16:71,761,568, C>A on the plus strand (G>T on the coding strand, the complement: AP1G1 is on the minus strand). VCF-style: chr16-71761568-C-A. GRCh37 (hg19) VCF-style: chr16-71795471-C-A.
Other names: c.928-1G>T (NM_001030007.2).
Identifiers: ClinVar variation 3248633 (VCV003248633.2), dbSNP rs2543555931.